The following is an entry in ClinVar:

ClinVar aggregate classification (germline): Uncertain significance. Review status: criteria provided, multiple submitters, no conflicts (2 of 4 stars). 2 submissions from 2 submitters: Uncertain significance (2). Last evaluated 2023-08-21.

Conditions:
PRF1-related disorder. Also called: PRF1-related condition.
Familial hemophagocytic lymphohistiocytosis 2 (FHL2). Also called: PRF1-Related Familial Hemophagocytic Lymphohistiocytosis (PRF1-fHLH). Identifiers: Orphanet 540, MedGen C1863727, MONDO:0011337, OMIM 603553.

Allele frequency attached by ClinVar (database versions not stated): gnomAD exomes 0.00002 and 0.00008; ExAC 0.00009; gnomAD 0.00023 and 0.00025; TOPMed 0.00025; 1000 Genomes Project 30x 0.00031; ESP Exome Variant Server 0.00038; 1000 Genomes Project 0.00040.
gnomAD v4.1: 74 of 1,613,108 alleles (0.0046%); highest among the groups gnomAD compares: African/African-American, 0.075%; no homozygotes.

Submissions (2):

PreventionGenetics, part of Exact Sciences
Classification: Uncertain significance for PRF1-related condition. Last evaluated: 2023-08-21. Review status: criteria provided, single submitter. Criteria: ACMG Guidelines, 2015. Collection method: clinical testing. Allele origin: germline.
Comment: The PRF1 c.161G>A variant is predicted to result in the amino acid substitution p.Arg54His. To our knowledge, this variant has not been reported in the literature. This variant is reported in 0.093% of alleles in individuals of African descent in gnomAD. Although we suspect that this variant may be benign, at this time, the clinical significance of this variant is uncertain due to the absence of conclusive functional and genetic evidence.

Labcorp Genetics (formerly Invitae), Labcorp
Classification: Uncertain significance for Familial hemophagocytic lymphohistiocytosis 2. Last evaluated: 2022-08-19. Review status: criteria provided, single submitter. Criteria: Invitae Variant Classification Sherloc (09022015). Collection method: clinical testing. Allele origin: germline.
Comment: This sequence change replaces arginine, which is basic and polar, with histidine, which is basic and polar, at codon 54 of the PRF1 protein (p.Arg54His). This variant is present in population databases (rs150357196, gnomAD 0.09%). This variant has not been reported in the literature in individuals affected with PRF1-related conditions. ClinVar contains an entry for this variant (Variation ID: 945931). Algorithms developed to predict the effect of missense changes on protein structure and function are either unavailable or do not agree on the potential impact of this missense change (SIFT: "Deleterious"; PolyPhen-2: "Benign"; Align-GVGD: "Class C0"). This variant disrupts the p.Arg54 amino acid residue in PRF1. Other variant(s) that disrupt this residue have been determined to be pathogenic (PMID: 14757862, 17266056, 21152410, 22437823). This suggests that this residue is clinically significant, and that variants that disrupt this residue are likely to be disease-causing. In summary, the available evidence is currently insufficient to determine the role of this variant in disease. Therefore, it has been classified as a Variant of Uncertain Significance.

Literature cited by the submitters: PubMed 14757862 (cited by Labcorp Genetics (formerly Invitae), Labcorp); PubMed 17266056 (cited by Labcorp Genetics (formerly Invitae), Labcorp); PubMed 21152410 (cited by Labcorp Genetics (formerly Invitae), Labcorp); PubMed 22437823 (cited by Labcorp Genetics (formerly Invitae), Labcorp).

NM_001083116.3(PRF1):c.161G>A (p.Arg54His)

Gene: PRF1 (perforin 1; minus strand). Cytogenetic location: 10q22.1.
Variant type: single nucleotide variant.
Coding change: c.161G>A on transcript NM_001083116.3 (MANE Select); coding-DNA position 161, G replaced by A.
Protein change: p.Arg54His; replaces arginine 54 with histidine.
Molecular consequence: missense variant.
Genome position (GRCh38, 1-based): chr10:70,600,742, C>T on the plus strand (G>A on the coding strand, the complement: PRF1 is on the minus strand). VCF-style: chr10-70600742-C-T. GRCh37 (hg19) VCF-style: chr10-72360498-C-T.
Other names: c.161G>A, p.Arg54His (NM_005041.6); short protein forms R54H.
Identifiers: ClinVar variation 945931 (VCV000945931.5), dbSNP rs150357196, ClinGen allele CA5539113.